The following is an entry in ClinVar:

ClinVar aggregate classification (germline): Pathogenic/Likely pathogenic. Review status: criteria provided, multiple submitters, no conflicts (2 of 4 stars). 2 submissions from 2 submitters: Pathogenic (1); Likely pathogenic (1). Last evaluated 2025-03-12.

Conditions:
Melnick-Fraser syndrome (BOR). Also called: Branchiootorenal syndrome; Branchio-oto-renal syndrome; Branchiootorenal Syndrome (BORS). Identifiers: Orphanet 107, MedGen C0265234, MONDO:0007029.
Branchiootorenal syndrome 1. Also called: Branchio-Oto-Renal Syndrome 1. Identifiers: Orphanet 107, MedGen C4551702, MONDO:0007236, OMIM 113650.

Submissions (2):

Labcorp Genetics (formerly Invitae), Labcorp
Classification: Likely pathogenic for Melnick-Fraser syndrome. Last evaluated: 2025-03-12. Review status: criteria provided, single submitter. Criteria: Invitae Variant Classification Sherloc (09022015). Collection method: clinical testing. Allele origin: germline.
Comment: This sequence change affects a donor splice site in intron 13 of the EYA1 gene. It is expected to disrupt RNA splicing. Variants that disrupt the donor or acceptor splice site typically lead to a loss of protein function (PMID: 16199547), and loss-of-function variants in EYA1 are known to be pathogenic (PMID: 10464653, 18220287). This variant is not present in population databases (gnomAD no frequency). Disruption of this splice site has been observed in individual(s) with branchiootorenal syndrome (PMID: 21280147). Algorithms developed to predict the effect of sequence changes on RNA splicing suggest that this variant may disrupt the consensus splice site. In summary, the currently available evidence indicates that the variant is pathogenic, but additional data are needed to prove that conclusively. Therefore, this variant has been classified as Likely Pathogenic.

Institute of Human Genetics Munich, TUM University Hospital
Classification: Pathogenic for Branchiootorenal syndrome 1. Last evaluated: 2024-07-23. Review status: criteria provided, single submitter. Criteria: Classification criteria August 2017. Collection method: clinical testing. Allele origin: paternal. Inheritance: Autosomal dominant inheritance. Affected: yes. Observed: 1 variant allele.

Literature cited by the submitters: PubMed 16199547 (cited by Labcorp Genetics (formerly Invitae), Labcorp); PubMed 10464653 (cited by Labcorp Genetics (formerly Invitae), Labcorp); PubMed 18220287 (cited by Labcorp Genetics (formerly Invitae), Labcorp); PubMed 21280147 (cited by Labcorp Genetics (formerly Invitae), Labcorp).

NM_000503.6(EYA1):c.1199+1G>A

Gene: EYA1 (EYA transcriptional coactivator and phosphatase 1; minus strand). Cytogenetic location: 8q13.3.
Variant type: single nucleotide variant.
Coding change: c.1199+1G>A on transcript NM_000503.6 (MANE Select); the canonical splice donor site of the intron after coding-DNA position 1199, G replaced by A.
Molecular consequence: splice donor variant.
Genome position (GRCh38, 1-based): chr8:71,216,964, C>T on the plus strand (G>A on the coding strand, the complement: EYA1 is on the minus strand). VCF-style: chr8-71216964-C-T. GRCh37 (hg19) VCF-style: chr8-72129199-C-T.
Other names: c.1178+1G>A (NM_001370336.1); c.1286+1G>A (NM_001370333.1); c.1199+1G>A (NM_001370335.1, NM_001370334.1, NM_172058.4); c.1181+1G>A (NM_172059.5, NM_001288574.2); c.1100+1G>A (NM_001411797.1, NM_172060.4); c.833+1G>A (NM_001288575.2).
Identifiers: ClinVar variation 4072061 (VCV004072061.6).